The following is an entry in ClinVar:

NM_000377.3(WAS):c.219C>A (p.Cys73Ter)

Gene: WAS (WASP actin nucleation promoting factor; plus strand). Cytogenetic location: Xp11.23.
Variant type: single nucleotide variant.
Coding change: c.219C>A on transcript NM_000377.3 (MANE Select); coding-DNA position 219, C replaced by A.
Protein change: p.Cys73Ter; replaces cysteine 73 with a stop codon.
Molecular consequence: nonsense.
Genome position (GRCh38, 1-based): chrX:48,684,369, C>A. VCF-style: chrX-48684369-C-A. GRCh37 (hg19) VCF-style: chrX-48542758-C-A.
Other names: c.219C>A, p.Cys73Ter (NM_001438876.1, NM_001438877.1, NM_001438878.1 and 1 more transcripts); short protein forms C73*.
Identifiers: ClinVar variation 4538521 (VCV004538521.1).

ClinVar aggregate classification (germline): Pathogenic (1 of 4 stars; one submission).

Conditions:
Wiskott-Aldrich syndrome (WAS). Also called: ALDRICH SYNDROME; IMMUNODEFICIENCY 2; WISKOTT-ALDRICH SYNDROME 1; Wiskott-aldrich syndrome, somatic. Identifiers: Orphanet 906, MedGen C0043194, MONDO:0010518, OMIM 301000.

Submission:

Genetics Laboratory, Great Ormond Street Hospital NHS Foundation Trust, North Thames Genomic Laboratory Hub
Classification: Pathogenic for Wiskott-Aldrich syndrome. Last evaluated: 2025-10-21. Review status: criteria provided, single submitter. Criteria: ACGS Best Practice Guidelines for Variant Classification in Rare Disease 2024 v1.2. Collection method: clinical testing. Allele origin: germline. Affected: yes.
Comment: PM2_moderate, PVS1_very-strong